The following is an entry in ClinVar:

ClinVar aggregate classification (germline): Uncertain significance (1 of 4 stars; one submission).

Conditions:
Ullrich congenital muscular dystrophy 2 (UCMD2). Identifiers: Orphanet 75840, MedGen C4225314, MONDO:0014654, OMIM 616470.
Bethlem myopathy 2 (BTHLM2). Identifiers: Orphanet 536516, Orphanet 610, MedGen C4225313, MONDO:0034022, OMIM 616471.

Allele frequency attached by ClinVar (database versions not stated): gnomAD exomes below 0.00001.
gnomAD v4.1: 1 of 1,613,794 alleles (0.000062%); highest among the groups gnomAD compares: Non-Finnish European, 0.000085%; no homozygotes.

Submission:

Labcorp Genetics (formerly Invitae), Labcorp
Classification: Uncertain significance for Bethlem myopathy 2; Ullrich congenital muscular dystrophy 2. Last evaluated: 2022-03-18. Review status: criteria provided, single submitter. Criteria: Invitae Variant Classification Sherloc (09022015). Collection method: clinical testing. Allele origin: germline.
Comment: In summary, the available evidence is currently insufficient to determine the role of this variant in disease. Therefore, it has been classified as a Variant of Uncertain Significance. This sequence change replaces valine, which is neutral and non-polar, with aspartic acid, which is acidic and polar, at codon 2907 of the COL12A1 protein (p.Val2907Asp). This variant is not present in population databases (gnomAD no frequency). This variant has not been reported in the literature in individuals affected with COL12A1-related conditions. Algorithms developed to predict the effect of missense changes on protein structure and function are either unavailable or do not agree on the potential impact of this missense change (SIFT: "Deleterious"; PolyPhen-2: "Probably Damaging"; Align-GVGD: "Class C0").

NM_004370.6(COL12A1):c.8720T>A (p.Val2907Asp)

Gene: COL12A1 (collagen type XII alpha 1 chain; minus strand). Cytogenetic location: 6q13.
Variant type: single nucleotide variant.
Coding change: c.8720T>A on transcript NM_004370.6 (MANE Select); coding-DNA position 8720, T replaced by A.
Protein change: p.Val2907Asp; replaces valine 2907 with aspartic acid.
Molecular consequence: missense variant.
Genome position (GRCh38, 1-based): chr6:75,091,355, A>T on the plus strand (T>A on the coding strand, the complement: COL12A1 is on the minus strand). VCF-style: chr6-75091355-A-T. GRCh37 (hg19) VCF-style: chr6-75801071-A-T.
Other names: c.5228T>A, p.Val1743Asp (NM_080645.3); short protein forms V1743D, V2907D.
Identifiers: ClinVar variation 2198580 (VCV002198580.4), dbSNP rs2533038237, ClinGen allele CA364735820.